The following is an entry in ClinVar:

ClinVar aggregate classification (germline): Conflicting classifications of pathogenicity. Review status: criteria provided, conflicting classifications (1 of 4 stars). 2 submissions from 2 submitters: Uncertain significance (1); Likely benign (1). Last evaluated 2023-05-01.

Conditions:
Seizures, benign familial neonatal, 2. Also called: CONVULSIONS, BENIGN FAMILIAL NEONATAL, 2; Benign Neonatal Epilepsy 2; Seizures, benign neonatal, 2; KCNQ3-Related Benign Familial Neonatal Epilepsy; KCNQ3-Related Self-Limited Familial Neonatal Epilepsy (SLFNE). Identifiers: Orphanet 1949, MedGen C1852581, MONDO:0007366, OMIM 121201.

Allele frequency attached by ClinVar (database versions not stated): gnomAD 0.00058 and 0.00078; TOPMed 0.00076.

Submissions (2):

CeGaT Center for Human Genetics Tuebingen
Classification: Likely benign. Last evaluated: 2023-05-01. Review status: criteria provided, single submitter. Criteria: CeGaT Center For Human Genetics Tuebingen Variant Classification Criteria Version 2. Collection method: clinical testing. Allele origin: germline. Affected: yes. Observed: 3 variant alleles.
Comment: KCNQ3: BS1

Illumina Laboratory Services, Illumina
Classification: Uncertain significance for Seizures, benign familial neonatal, 2. Last evaluated: 2018-01-12. Review status: criteria provided, single submitter. Criteria: ICSL Variant Classification Criteria 13 December 2019. Collection method: clinical testing. Allele origin: germline.

NM_004519.4(KCNQ3):c.*6831G>A

Gene: KCNQ3 (potassium voltage-gated channel subfamily Q member 3; minus strand). Cytogenetic location: 8q24.22.
Variant type: single nucleotide variant.
Coding change: c.*6831G>A on transcript NM_004519.4 (MANE Select); 6831 bases downstream of the stop codon, G replaced by A.
Molecular consequence: 3 prime UTR variant.
Genome position (GRCh38, 1-based): chr8:132,122,431, C>T on the plus strand (G>A on the coding strand, the complement: KCNQ3 is on the minus strand). VCF-style: chr8-132122431-C-T. GRCh37 (hg19) VCF-style: chr8-133134678-C-T.
Other names: c.*6831G>A (NM_001204824.2).
Identifiers: ClinVar variation 361768 (VCV000361768.32), dbSNP rs529301177, ClinGen allele CA10630174.